The following is an entry in ClinVar:

ClinVar aggregate classification (germline): Uncertain significance (1 of 4 stars; one submission).

Conditions:
Neuronal ceroid lipofuscinosis 5 (CLN5). Also called: Neuronal ceroid lipofuscinosis Finnish variant; NEURONAL CEROID LIPOFUSCINOSIS, LATE INFANTILE, FINNISH VARIANT; CLN5-Related Neuronal Ceroid-Lipofuscinosis; CEROID LIPOFUSCINOSIS, NEURONAL, 5, VARIABLE AGE AT ONSET. Identifiers: Orphanet 168491, Orphanet 228360, MedGen C1850442, MONDO:0009745, OMIM 256731.

Submission:

Neuberg Centre For Genomic Medicine, NCGM
Classification: Uncertain significance for Neuronal ceroid lipofuscinosis 5. Last evaluated: 2023-06-22. Review status: criteria provided, single submitter. Criteria: ACMG Guidelines, 2015. Collection method: clinical testing. Allele origin: germline. Inheritance: Autosomal recessive inheritance. Affected: yes.
Comment: The missense c.826T>C (p.Phe276Leu) variant in the CLN5 gene has not been reported previously as a pathogenic variant nor as a benign variant, to our knowledge. This variant is absent in the gnomAD Exomes. The amino acid Phenylalanine at position 276 is changed to a Leucine changing protein sequence and it might alter its composition and physico-chemical properties. Multiple lines of computational evidence (Polyphen - Probably damaging, SIFT – Damaging and MutationTaster - Disease causing) predict a damaging effect on protein structure and function for this variant. The amino acid Phenylalanine in CLN5 is predicted as conserved by GERP++ and PhyloP across 100 vertebrates. For these reasons, this variant has been classified as Uncertain Significance.

NM_006493.4(CLN5):c.826T>C (p.Phe276Leu)

Gene: CLN5 (CLN5 lysosomal BMP synthase; plus strand). Cytogenetic location: 13q22.3.
Variant type: single nucleotide variant.
Coding change: c.826T>C on transcript NM_006493.4 (MANE Select); coding-DNA position 826, T replaced by C.
Protein change: p.Phe276Leu; replaces phenylalanine 276 with leucine.
Molecular consequence: missense variant. On other transcripts: 3 prime UTR variant (1).
Genome position (GRCh38, 1-based): chr13:77,000,718, T>C. VCF-style: chr13-77000718-T-C. GRCh37 (hg19) VCF-style: chr13-77574853-T-C.
Other names: c.*275T>C (NM_001366624.2); short protein forms F276L, F325L.
Identifiers: ClinVar variation 3377732 (VCV003377732.1).
Genomic context (GRCh38, chr13:77,000,718, plus strand): 5'-TATACAAGAATATTTCTTTACAGTGGAGAACCTACTTATCTGGGAAATGAAACATCTGTT[T>C]TTGGGCCAACAGGAAACAAGACTCTTGGTTTAGCCATAAAAAGATTTTATTACCCCTTCA-3'
Protein context (NP_006484.2, residues 266-286): PTYLGNETSV[Phe276Leu]GPTGNKTLGL